The following is an entry in ClinVar:

NM_006033.4(LIPG):c.316G>A (p.Val106Met)

Gene: LIPG (lipase G, endothelial type; plus strand). Cytogenetic location: 18q21.1.
Variant type: single nucleotide variant.
Coding change: c.316G>A on transcript NM_006033.4 (MANE Select); coding-DNA position 316, G replaced by A.
Protein change: p.Val106Met; replaces valine 106 with methionine.
Molecular consequence: missense variant.
Genome position (GRCh38, 1-based): chr18:49,567,478, G>A. VCF-style: chr18-49567478-G-A. GRCh37 (hg19) VCF-style: chr18-47093848-G-A.
Other names: c.316G>A, p.Val106Met (NM_001308006.2); short protein forms V106M.
Identifiers: ClinVar variation 1944287 (VCV001944287.5), dbSNP rs776866582, ClinGen allele CA8959056.

ClinVar aggregate classification (germline): Uncertain significance (1 of 4 stars; one submission).

Allele frequency attached by ClinVar (database versions not stated): ExAC 0.00001; gnomAD 0.00001; gnomAD exomes 0.00001; TOPMed 0.00003.
gnomAD v4.1: 12 of 1,614,014 alleles (0.00074%); highest among the groups gnomAD compares: East Asian, 0.0022%; no homozygotes.

Submission:

Labcorp Genetics (formerly Invitae), Labcorp
Classification: Uncertain significance. Last evaluated: 2022-05-25. Review status: criteria provided, single submitter. Criteria: Invitae Variant Classification Sherloc (09022015). Collection method: clinical testing. Allele origin: germline.
Comment: In summary, the available evidence is currently insufficient to determine the role of this variant in disease. Therefore, it has been classified as a Variant of Uncertain Significance. Algorithms developed to predict the effect of missense changes on protein structure and function are either unavailable or do not agree on the potential impact of this missense change (SIFT: "Deleterious"; PolyPhen-2: "Probably Damaging"; Align-GVGD: "Class C0"). This variant has not been reported in the literature in individuals affected with LIPG-related conditions. This variant is present in population databases (rs776866582, gnomAD 0.003%). This sequence change replaces valine, which is neutral and non-polar, with methionine, which is neutral and non-polar, at codon 106 of the LIPG protein (p.Val106Met).